The following is an entry in ClinVar:

NM_207122.2(EXT2):c.138G>A (p.Trp46Ter)

Gene: EXT2 (exostosin glycosyltransferase 2; plus strand). Cytogenetic location: 11p11.2.
Variant type: single nucleotide variant.
Coding change: c.138G>A on transcript NM_207122.2 (MANE Select); coding-DNA position 138, G replaced by A.
Protein change: p.Trp46Ter; replaces tryptophan 46 with a stop codon.
Molecular consequence: nonsense.
Genome position (GRCh38, 1-based): chr11:44,107,850, G>A. VCF-style: chr11-44107850-G-A. GRCh37 (hg19) VCF-style: chr11-44129400-G-A.
Other names: c.237G>A, p.Trp79Ter (NM_000401.3); c.138G>A, p.Trp46Ter (NM_001178083.3, NM_001389628.1, NM_001389630.1); short protein forms W46*, W79*.
Identifiers: ClinVar variation 4887832 (VCV004887832.2).

ClinVar aggregate classification (germline): Likely pathogenic (1 of 4 stars; one submission).

gnomAD v4.1: 39 of 1,613,922 alleles (0.0024%); highest among the groups gnomAD compares: Non-Finnish European, 0.0031%; no homozygotes.

Submission:

GeneDx
Classification: Likely pathogenic. Last evaluated: 2026-10-05. Review status: criteria provided, single submitter. Criteria: GeneDx Variant Classification Process June 2021. Collection method: clinical testing. Allele origin: germline.
Comment: Nonsense variant predicted to result in protein truncation or nonsense mediated decay in a gene for which loss of function is a known mechanism of disease; Not observed at significant frequency in large population cohorts (gnomAD); This variant is associated with the following publications: (PMID: 35045016, 37461096, 34092239, 23770606, 27636706)